The following is an entry in ClinVar:

NM_005629.4(SLC6A8):c.1458G>C (p.Gln486His)

Gene: SLC6A8 (solute carrier family 6 member 8; plus strand). Cytogenetic location: Xq28.
Variant type: single nucleotide variant.
Coding change: c.1458G>C on transcript NM_005629.4 (MANE Select); coding-DNA position 1458, G replaced by C.
Protein change: p.Gln486His; replaces glutamine 486 with histidine.
Molecular consequence: missense variant.
Genome position (GRCh38, 1-based): chrX:153,694,409, G>C. VCF-style: chrX-153694409-G-C. GRCh37 (hg19) VCF-style: chrX-152959864-G-C.
Other names: c.1428G>C, p.Gln476His (NM_001142805.2); c.1113G>C, p.Gln371His (NM_001142806.1); short protein forms Q371H, Q476H, Q486H.
Identifiers: ClinVar variation 3903301 (VCV003903301.1).

ClinVar aggregate classification (germline): Uncertain significance (1 of 4 stars; one submission).

Submission:

GeneDx
Classification: Uncertain significance. Last evaluated: 2024-12-10. Review status: criteria provided, single submitter. Criteria: GeneDx Variant Classification Process June 2021. Collection method: clinical testing. Allele origin: germline. Affected: yes.
Comment: Not observed at significant frequency in large population cohorts (gnomAD); In silico analysis indicates that this missense variant does not alter protein structure/function; Has not been previously published as pathogenic or benign to our knowledge